The following is an entry in ClinVar:

NM_001035.3(RYR2):c.10664C>G (p.Ala3555Gly)

Gene: RYR2 (ryanodine receptor 2; plus strand). Cytogenetic location: 1q43.
Variant type: single nucleotide variant.
Coding change: c.10664C>G on transcript NM_001035.3 (MANE Select); coding-DNA position 10664, C replaced by G.
Protein change: p.Ala3555Gly; replaces alanine 3555 with glycine.
Molecular consequence: missense variant.
Genome position (GRCh38, 1-based): chr1:237,723,237, C>G. VCF-style: chr1-237723237-C-G. GRCh37 (hg19) VCF-style: chr1-237886537-C-G.
Other names: short protein forms A3555G.
Identifiers: ClinVar variation 1700813 (VCV001700813.3), dbSNP rs2149125870, ClinGen allele CA345416205.
Genomic context (GRCh38, chr1:237,723,237, plus strand): 5'-CAAACAGGACTGATGATACCTCAGATCCAGAGAAGACGGTAGAAAGAGTATTGGATATAG[C>G]AAATGTGCTTTTTCATCTTGAACAGGTCAGGCTTTGTGTCAATTCAATCATATTTGCCTT-3'
Protein context (NP_001026.2, residues 3545-3565): EKTVERVLDI[Ala3555Gly]NVLFHLEQKS

ClinVar aggregate classification (germline): Uncertain significance (1 of 4 stars; one submission).

Submission:

GeneDx
Classification: Uncertain significance. Last evaluated: 2026-10-08. Review status: criteria provided, single submitter. Criteria: GeneDx Variant Classification Process June 2021. Collection method: clinical testing. Allele origin: germline.
Comment: Not observed at significant frequency in large population cohorts (gnomAD); In silico analysis supports that this missense variant does not alter protein structure/function; Not located in one of the three hot-spot regions of the RYR2 gene, where the majority of pathogenic missense variants occur (PMID: 19926015); Has not been previously published as pathogenic or benign to our knowledge; This variant is associated with the following publications: (PMID: 19926015)